The following is an entry in ClinVar:

NM_001318895.3(FHL2):c.721G>A (p.Glu241Lys)

Genes: FHL2 (four and a half LIM domains 2; minus strand), C2orf49 (chromosome 2 open reading frame 49; plus strand). Cytogenetic location: 2q12.2.
Variant type: single nucleotide variant.
Coding change: c.721G>A on transcript NM_001318895.3 (MANE Select); coding-DNA position 721, G replaced by A.
Protein change: p.Glu241Lys; replaces glutamic acid 241 with lysine.
Molecular consequence: missense variant.
Genome position (GRCh38, 1-based): chr2:105,361,402, C>T on the plus strand (G>A on the coding strand, the complement: FHL2 is on the minus strand). VCF-style: chr2-105361402-C-T. GRCh37 (hg19) VCF-style: chr2-105977859-C-T.
Other names: c.721G>A, p.Glu241Lys (NM_001039492.3, NM_001318894.1, NM_001318896.2 and 4 more transcripts); c.379G>A, p.Glu127Lys (NM_001318897.2, NM_001318898.2); c.397G>A, p.Glu133Lys (NM_001318899.2); short protein forms E133K, E127K, E241K.
Identifiers: ClinVar variation 843362 (VCV000843362.7), dbSNP rs1680249986, ClinGen allele CA347995460.

ClinVar aggregate classification (germline): Uncertain significance (1 of 4 stars; one submission).

Conditions:
Primary dilated cardiomyopathy (DCM). Also called: Dilated Cardiomyopathy. Identifiers: Orphanet 217604, MedGen C0007193, MeSH D002311, MONDO:0005021, HP:0001644. Inheritance: Various modes of inheritance.

Allele frequency attached by ClinVar (database versions not stated): gnomAD exomes below 0.00001.
gnomAD v4.1: 1 of 1,614,066 alleles (0.000062%); highest among the groups gnomAD compares: Non-Finnish European, 0.000085%; no homozygotes.

Submission:

Labcorp Genetics (formerly Invitae), Labcorp
Classification: Uncertain significance for Primary dilated cardiomyopathy. Last evaluated: 2023-07-09. Review status: criteria provided, single submitter. Criteria: Invitae Variant Classification Sherloc (09022015). Collection method: clinical testing. Allele origin: germline.
Comment: In summary, the available evidence is currently insufficient to determine the role of this variant in disease. Therefore, it has been classified as a Variant of Uncertain Significance. Advanced modeling of protein sequence and biophysical properties (such as structural, functional, and spatial information, amino acid conservation, physicochemical variation, residue mobility, and thermodynamic stability) performed at Invitae indicates that this missense variant is not expected to disrupt FHL2 protein function. ClinVar contains an entry for this variant (Variation ID: 843362). This variant has not been reported in the literature in individuals affected with FHL2-related conditions. This variant is not present in population databases (gnomAD no frequency). This sequence change replaces glutamic acid, which is acidic and polar, with lysine, which is basic and polar, at codon 241 of the FHL2 protein (p.Glu241Lys).